The following is an entry in ClinVar:

ClinVar aggregate classification (germline): Uncertain significance (1 of 4 stars; one submission).

Submission:

Laboratory for Molecular Medicine, Mass General Brigham Personalized Medicine
Classification: Uncertain significance. Last evaluated: 2016-06-16. Review status: criteria provided, single submitter. Criteria: LMM Criteria. Collection method: clinical testing. Allele origin: germline. Observed: 2 variant alleles.
Comment: The p.Asn1274Ser variant in PRDM16 has not been previously reported in individua ls with cardiomyopathy or in large population studies. Computational prediction tools and conservation analysis suggest that the p.Asn1274Ser variant may impact the protein, though this information is not predictive enough to determine path ogenicity. In summary, the clinical significance of the p.Asn1274Ser variant is uncertain.

NM_022114.4(PRDM16):c.3821A>G (p.Asn1274Ser)

Gene: PRDM16 (PR/SET domain 16; plus strand). Cytogenetic location: 1p36.32.
Variant type: single nucleotide variant.
Coding change: c.3821A>G on transcript NM_022114.4 (MANE Select); coding-DNA position 3821, A replaced by G.
Protein change: p.Asn1274Ser; replaces asparagine 1274 with serine.
Molecular consequence: missense variant.
Genome position (GRCh38, 1-based): chr1:3,433,801, A>G. VCF-style: chr1-3433801-A-G. GRCh37 (hg19) VCF-style: chr1-3350365-A-G.
Other names: c.3764A>G, p.Asn1255Ser (NM_199454.3); short protein forms N1274S, N1255S.
Identifiers: ClinVar variation 505160 (VCV000505160.5), dbSNP rs1553180695, ClinGen allele CA338005947.